The following is an entry in ClinVar:

NM_006087.4(TUBB4A):c.349C>G (p.Leu117Val)

Gene: TUBB4A (tubulin beta 4A class IVa; minus strand). Cytogenetic location: 19p13.3.
Variant type: single nucleotide variant.
Coding change: c.349C>G on transcript NM_006087.4 (MANE Select); coding-DNA position 349, C replaced by G.
Protein change: p.Leu117Val; replaces leucine 117 with valine.
Molecular consequence: missense variant.
Genome position (GRCh38, 1-based): chr19:6,496,150, G>C on the plus strand (C>G on the coding strand, the complement: TUBB4A is on the minus strand). VCF-style: chr19-6496150-G-C. GRCh37 (hg19) VCF-style: chr19-6496161-G-C.
Other names: c.502C>G, p.Leu168Val (NM_001289123.2); c.484C>G, p.Leu162Val (NM_001289127.2); c.349C>G, p.Leu117Val (NM_001289129.2); c.133C>G, p.Leu45Val (NM_001289130.2, NM_001289131.2); short protein forms L117V, L162V, L168V, L45V.
Identifiers: ClinVar variation 4855996 (VCV004855996.1).
Genomic context (GRCh38, chr19:6,496,150, plus strand): 5'-GGGTCAGCTGGAAGCCCTGAAGGCAGTCGCAGCTCTCGGCCTCCTTCCGGACTACGTCCA[G>C]GACAGCGTCCACCAGCTCTGCGCCCTCCGTGTAGTGCCCCTTTGCCCAGTTGTTGCCGGC-3'
Protein context (NP_006078.2, residues 107-127): TEGAELVDAV[Leu117Val]DVVRKEAESC

ClinVar aggregate classification (germline): Uncertain significance (1 of 4 stars; one submission).

Conditions:
Leukodystrophy, hypomyelinating, 6. Also called: TUBB4A-Associated Leukodystrophy; LEUKODYSTROPHY, HYPOMYELINATING, WITH ATROPHY OF THE BASAL GANGLIA AND CEREBELLUM; Hypomyelination with Atrophy of Basal Ganglia and Cerebellum (H-ABC). Identifiers: Orphanet 139441, MedGen C2676244, MONDO:0012905, OMIM 612438.

Submission:

3billion
Classification: Uncertain significance for Leukodystrophy, hypomyelinating, 6. Last evaluated: 2025-09-18. Review status: criteria provided, single submitter. Criteria: ACMG Guidelines, 2015. Collection method: clinical testing. Allele origin: germline. Affected: yes.
Comment: The variant is not observed in the gnomAD v4.1.0 dataset. Predicted Consequence/Location: Missense variant. Missense changes are a common disease-causing mechanism. In silico tool predictions suggest damaging effect of the variant on gene or gene product [3Cnet: 0.99 (> 0.75, sensitivity 0.96 and precision 0.92)]. Therefore, this variant is classified as VUS according to the recommendation of ACMG/AMP guideline.